The following is an entry in ClinVar:

ClinVar aggregate classification (germline): Benign/Likely benign. Review status: criteria provided, multiple submitters, no conflicts (2 of 4 stars). 3 submissions from 3 submitters: Benign (1); Likely benign (2). Last evaluated 2024-09-10.

Conditions:
Familial cancer of breast. Also called: Hereditary breast cancer; BREAST CANCER, FAMILIAL; hereditary breast carcinoma. Identifiers: Orphanet 227535, MedGen C0346153, MONDO:0016419, OMIM 114480. Disease mechanism: loss of function.
Fanconi anemia complementation group J. Also called: BRIP1-Related Fanconi Anemia. Identifiers: Orphanet 84, MedGen C1836860, MONDO:0012187, OMIM 609054.
Hereditary cancer-predisposing syndrome. Also called: Neoplastic Syndromes, Hereditary; Tumor predisposition; Hereditary Cancer Syndrome; Hereditary neoplastic syndrome. Identifiers: Orphanet 140162, MedGen C0027672, MeSH D009386, MONDO:0015356.

Submissions (3):

Myriad Genetics, Inc.
Classification: Benign for Familial cancer of breast. Last evaluated: 2024-09-10. Review status: criteria provided, single submitter. Criteria: Myriad Autosomal Dominant, Autosomal Recessive and X-Linked Classification Criteria (2023). Collection method: clinical testing. Allele origin: unknown.
Comment: This variant is considered benign. This variant is a silent/synonymous amino acid change and it is not expected to impact splicing.

Labcorp Genetics (formerly Invitae), Labcorp
Classification: Likely benign for Familial cancer of breast; Fanconi anemia complementation group J. Last evaluated: 2021-07-08. Review status: criteria provided, single submitter. Criteria: Invitae Variant Classification Sherloc (09022015). Collection method: clinical testing. Allele origin: germline.

Ambry Genetics
Classification: Likely benign for Hereditary cancer-predisposing syndrome. Last evaluated: 2020-11-25. Review status: criteria provided, single submitter. Criteria: Ambry Variant Classification Scheme 2023. Collection method: clinical testing. Allele origin: germline.

NM_032043.3(BRIP1):c.3204T>C (p.Pro1068=)

Gene: BRIP1 (BRCA1 interacting DNA helicase 1; minus strand). Cytogenetic location: 17q23.2.
Variant type: single nucleotide variant.
Coding change: c.3204T>C on transcript NM_032043.3 (MANE Select); coding-DNA position 3204, T replaced by C.
Protein change: p.Pro1068=; no amino-acid change (proline 1068 retained).
Molecular consequence: synonymous variant.
Genome position (GRCh38, 1-based): chr17:61,683,842, A>G on the plus strand (T>C on the coding strand, the complement: BRIP1 is on the minus strand). VCF-style: chr17-61683842-A-G. GRCh37 (hg19) VCF-style: chr17-59761203-A-G.
Identifiers: ClinVar variation 1570737 (VCV001570737.12), dbSNP rs2144084552, ClinGen allele CA501335297.